The following is an entry in ClinVar:

ClinVar aggregate classification (germline): Likely benign (1 of 4 stars; one submission).

Submission:

Women's Health and Genetics/Laboratory Corporation of America, LabCorp
Classification: Likely benign. Last evaluated: 2026-02-11. Review status: criteria provided, single submitter. Criteria: LabCorp Variant Classification Summary - May 2015. Collection method: clinical testing. Allele origin: germline.
Comment: Variant summary: MAP3K14 c.771C>G (p.Phe257Leu) results in a non-conservative amino acid change in the encoded protein sequence. Algorithms developed to predict the effect of missense changes on protein structure and function are either unavailable or do not agree on the potential impact of this missense change. The variant allele was found at a frequency of 0.0008 in 246240 control chromosomes, predominantly at a frequency of 0.011 within the African or African-American subpopulation in the gnomAD database, including 1 homozygote. The observed variant frequency within African or African-American control individuals in the gnomAD database exceeds the estimated maximal expected allele frequency for disease-causing variants in MAP3K14. To our knowledge, no occurrence of c.771C>G in individuals affected with MAP3K14-related conditions and no experimental evidence demonstrating its impact on protein function have been reported. ClinVar contains an entry for this variant (Variation ID: 544331). Based on the evidence outlined above, the variant was classified as likely benign.

NM_003954.5(MAP3K14):c.771C>G (p.Pro257=)

Gene: MAP3K14 (mitogen-activated protein kinase kinase kinase 14; minus strand). Cytogenetic location: 17q21.31.
Variant type: single nucleotide variant.
Coding change: c.771C>G on transcript NM_003954.5 (MANE Select); coding-DNA position 771, C replaced by G.
Protein change: p.Pro257=; no amino-acid change (proline 257 retained).
Molecular consequence: synonymous variant.
Genome position (GRCh38, 1-based): chr17:45,286,812, G>C on the plus strand (C>G on the coding strand, the complement: MAP3K14 is on the minus strand). VCF-style: chr17-45286812-G-C. GRCh37 (hg19) VCF-style: chr17-43364179-G-C.
Identifiers: ClinVar variation 4847904 (VCV004847904.1).